The following is an entry in ClinVar:

NM_024577.4(SH3TC2):c.43C>T (p.Arg15Trp)

Gene: SH3TC2 (SH3 domain and tetratricopeptide repeats 2; minus strand). Cytogenetic location: 5q32.
Variant type: single nucleotide variant.
Coding change: c.43C>T on transcript NM_024577.4 (MANE Select); coding-DNA position 43, C replaced by T.
Protein change: p.Arg15Trp; replaces arginine 15 with tryptophan.
Molecular consequence: missense variant.
Genome position (GRCh38, 1-based): chr5:149,062,980, G>A on the plus strand (C>T on the coding strand, the complement: SH3TC2 is on the minus strand). VCF-style: chr5-149062980-G-A. GRCh37 (hg19) VCF-style: chr5-148442543-G-A.
Other names: short protein forms R15W.
Identifiers: ClinVar variation 1740305 (VCV001740305.5), dbSNP rs777499453, ClinGen allele CA129019362.

ClinVar aggregate classification (germline): Uncertain significance. Review status: criteria provided, multiple submitters, no conflicts (2 of 4 stars). 3 submissions from 3 submitters: Uncertain significance (3). Last evaluated 2023-06-12.

Conditions:
Charcot-Marie-Tooth disease type 4. Also called: Charcot-Marie-Tooth disease, type IV; Charcot-Marie-Tooth, Type 4. Identifiers: Orphanet 64749, MedGen C4082197, MONDO:0018995.
Inborn genetic diseases. Identifiers: MedGen C0950123, MeSH D030342.

Allele frequency attached by ClinVar (database versions not stated): gnomAD exomes 0.00003.
gnomAD v4.1: 45 of 1,596,008 alleles (0.0028%); highest among the groups gnomAD compares: Admixed American, 0.0069%; no homozygotes.

Submissions (3):

GeneDx
Classification: Uncertain significance. Last evaluated: 2023-06-12. Review status: criteria provided, single submitter. Criteria: GeneDx Variant Classification Process June 2021. Collection method: clinical testing. Allele origin: germline. Affected: yes.
Comment: Not observed at significant frequency in large population cohorts (gnomAD); In silico analysis supports that this missense variant does not alter protein structure/function; Has not been previously published as pathogenic or benign to our knowledge

Labcorp Genetics (formerly Invitae), Labcorp
Classification: Uncertain significance for Charcot-Marie-Tooth disease type 4. Last evaluated: 2022-06-27. Review status: criteria provided, single submitter. Criteria: Invitae Variant Classification Sherloc (09022015). Collection method: clinical testing. Allele origin: germline.
Comment: This sequence change replaces arginine, which is basic and polar, with tryptophan, which is neutral and slightly polar, at codon 15 of the SH3TC2 protein (p.Arg15Trp). The frequency data for this variant in the population databases is considered unreliable, as metrics indicate poor data quality at this position in the gnomAD database. This variant has not been reported in the literature in individuals affected with SH3TC2-related conditions. Advanced modeling of protein sequence and biophysical properties (such as structural, functional, and spatial information, amino acid conservation, physicochemical variation, residue mobility, and thermodynamic stability) performed at Invitae indicates that this missense variant is not expected to disrupt SH3TC2 protein function. In summary, the available evidence is currently insufficient to determine the role of this variant in disease. Therefore, it has been classified as a Variant of Uncertain Significance.

Ambry Genetics
Classification: Uncertain significance for Inborn genetic diseases. Last evaluated: 2020-12-23. Review status: criteria provided, single submitter. Criteria: Ambry Variant Classification Scheme 2023. Collection method: clinical testing. Allele origin: germline.
Comment: The p.R15W variant (also known as c.43C>T), located in coding exon 1 of the SH3TC2 gene, results from a C to T substitution at nucleotide position 43. The arginine at codon 15 is replaced by tryptophan, an amino acid with dissimilar properties. This amino acid position is poorly conserved in available vertebrate species. In addition, this alteration is predicted to be tolerated by in silico analysis. Since supporting evidence is limited at this time, the clinical significance of this alteration remains unclear.